The following is an entry in ClinVar:

ClinVar aggregate classification (germline): Uncertain significance. Review status: criteria provided, multiple submitters, no conflicts (2 of 4 stars). 2 submissions from 2 submitters: Uncertain significance (2). Last evaluated 2024-12-23.

Conditions:
Inborn genetic diseases. Identifiers: MedGen C0950123, MeSH D030342.

Allele frequency attached by ClinVar (database versions not stated): gnomAD 0.00001; gnomAD exomes 0.00001 and 0.00003; ExAC 0.00003; TOPMed 0.00003.
gnomAD v4.1: 20 of 1,612,818 alleles (0.0012%); highest among the groups gnomAD compares: Admixed American, 0.0033%; no homozygotes.

Submissions (2):

Ambry Genetics
Classification: Uncertain significance for Inborn genetic diseases. Last evaluated: 2024-12-23. Review status: criteria provided, single submitter. Criteria: Ambry Variant Classification Scheme 2023. Collection method: clinical testing. Allele origin: germline.

GeneDx
Classification: Uncertain significance. Last evaluated: 2020-09-16. Review status: criteria provided, single submitter. Criteria: GeneDx Variant Classification Process June 2021. Collection method: clinical testing. Allele origin: germline. Affected: yes.
Comment: Not observed at a significant frequency in large population cohorts (Lek et al., 2016); In silico analysis supports that this missense variant has a deleterious effect on protein structure/function

NM_001042545.2(LTBP4):c.2251T>C (p.Cys751Arg)

Gene: LTBP4 (latent transforming growth factor beta binding protein 4; plus strand). Cytogenetic location: 19q13.2.
Variant type: single nucleotide variant.
Coding change: c.2251T>C on transcript NM_001042545.2 (MANE Select); coding-DNA position 2251, T replaced by C.
Protein change: p.Cys751Arg; replaces cysteine 751 with arginine.
Molecular consequence: missense variant.
Genome position (GRCh38, 1-based): chr19:40,612,144, T>C. VCF-style: chr19-40612144-T-C. GRCh37 (hg19) VCF-style: chr19-41118050-T-C.
Other names: c.2452T>C, p.Cys818Arg (NM_001042544.1); c.2341T>C, p.Cys781Arg (NM_003573.2); short protein forms C751R, C781R, C818R.
Identifiers: ClinVar variation 1211445 (VCV001211445.4), dbSNP rs746058277, ClinGen allele CA9448599.
Genomic context (GRCh38, chr19:40,612,144, plus strand): 5'-TGTGAGAACCACCTCGCATGCCCTGGGCAGGAGTGTGTGAACTCGCCCGGCTCCTTCCAG[T>C]GCAGGACCTGTCCTTCTGGCCACCACCTGCACCGTGGCAGATGCACTGGTGAGACCAGGC-3'
Protein context (NP_001036010.1, residues 741-761): ECVNSPGSFQ[Cys751Arg]RTCPSGHHLH